The following is an entry in ClinVar:

ClinVar aggregate classification (germline): Uncertain significance (1 of 4 stars; one submission).

Submission:

GeneDx
Classification: Uncertain significance. Last evaluated: 2025-05-19. Review status: criteria provided, single submitter. Criteria: GeneDx Variant Classification Process June 2021. Collection method: clinical testing. Allele origin: germline. Affected: yes.
Comment: Not observed at significant frequency in large population cohorts (gnomAD); In silico analysis suggests that this missense variant does not alter protein structure/function; Has not been previously published as pathogenic or benign to our knowledge

NM_001330288.2(SMARCC2):c.3376T>A (p.Ser1126Thr)

Gene: SMARCC2 (SWI/SNF related BAF chromatin remodeling complex subunit C2; minus strand). Cytogenetic location: 12q13.2.
Variant type: single nucleotide variant.
Coding change: c.3376T>A on transcript NM_001330288.2 (MANE Select); coding-DNA position 3376, T replaced by A.
Protein change: p.Ser1126Thr; replaces serine 1126 with threonine.
Molecular consequence: missense variant. On other transcripts: intron variant (2).
Genome position (GRCh38, 1-based): chr12:56,164,588, A>T on the plus strand (T>A on the coding strand, the complement: SMARCC2 is on the minus strand). VCF-style: chr12-56164588-A-T. GRCh37 (hg19) VCF-style: chr12-56558372-A-T.
Other names: c.3283T>A, p.Ser1095Thr (NM_003075.5); c.3316+60T>A (NM_139067.4, NM_001130420.3); short protein forms S1095T, S1126T.
Identifiers: ClinVar variation 4530798 (VCV004530798.1).